The following is an entry in ClinVar:

NM_001849.4(COL6A2):c.1461del (p.Ser488fs)

Gene: COL6A2 (collagen type VI alpha 2 chain; plus strand). Cytogenetic location: 21q22.3.
Variant type: Deletion.
Coding change: c.1461del on transcript NM_001849.4 (MANE Select); coding-DNA position 1461, one base deleted (A; older notation c.1461delA).
Protein change: p.Ser488fs; shifts the reading frame from serine 488.
Molecular consequence: frameshift variant.
Genome position (GRCh38, 1-based): chr21:46,121,558, A deleted. VCF-style (leftmost placement, unchanged base first): chr21-46121557-GA-G. GRCh37 (hg19) VCF-style: chr21-47541471-GA-G.
Other names: NM_001849.4(COL6A2):c.1461del; p.Ser488fs; c.1461delA (NM_001849.3); c.1461del, p.Ser488fs (NM_058174.3, NM_058175.3); short protein forms S488fs.
Identifiers: ClinVar variation 93907 (VCV000093907.21), dbSNP rs398123645, ClinGen allele CA221813.

ClinVar aggregate classification (germline): Pathogenic/Likely pathogenic. Review status: criteria provided, multiple submitters, no conflicts (2 of 4 stars). 6 submissions from 6 submitters: Pathogenic (5); Likely pathogenic (1). Last evaluated 2025-12-11.

Conditions:
Bethlem myopathy 1B (BTHLM1B). Identifiers: MedGen C5935580, MONDO:0958233, OMIM 620725.
Autosomal recessive COL6A2-related disorders.
Ullrich congenital muscular dystrophy 1A. Also called: Ullrich congenital muscular dystrophy 1; Intermediate COL6-RD. Identifiers: Orphanet 75840, MedGen C0410179, MONDO:0009681, OMIM 254090.
Bethlem myopathy 1A. Also called: Bethlem myopathy 1; Bethlem Muscular Dystrophy; MYOPATHY, BENIGN CONGENITAL, WITH CONTRACTURES. Identifiers: Orphanet 610, MedGen CN029274, MONDO:0024530, OMIM 158810.

Allele frequency attached by ClinVar (database versions not stated): gnomAD exomes 0.00001; TOPMed 0.00001; gnomAD 0.00003 and 0.00002.

Submissions (6):

Variantyx, Inc.
Classification: Likely pathogenic for Autosomal recessive COL6A2-related disorders. Last evaluated: 2025-12-11. Review status: criteria provided, single submitter. Criteria: Variantyx Assertion Criteria 2022. Collection method: clinical testing. Allele origin: germline. Inheritance: Autosomal dominant inheritance. Affected: no.
Comment: This is a frameshift variant in the COL6A2 gene (OMIM: 120240). Pathogenic variants in this gene have been associated with autosomal recessive COL6A2-related disorders. This variant introduces a premature termination codon in exon 18 out of 28 and is expected to result in loss of function, which is a known disease mechanism for COL6A2 in this disorder (PMID: 19884007, 20976770) (PVS1). This variant has a 0.0013% maximum allele frequency in non-founder control populations (PM2). Based on the current evidence, this variant is classified as likely pathogenic for autosomal recessive COL6A2-related disorders.

Labcorp Genetics (formerly Invitae), Labcorp
Classification: Pathogenic for Bethlem myopathy 1A. Last evaluated: 2025-07-16. Review status: criteria provided, single submitter. Criteria: Invitae Variant Classification Sherloc (09022015). Collection method: clinical testing. Allele origin: germline.
Comment: This sequence change creates a premature translational stop signal (p.Ser488Leufs*57) in the COL6A2 gene. It is expected to result in an absent or disrupted protein product. Loss-of-function variants in COL6A2 are known to be pathogenic (PMID: 19884007, 20976770). This variant is present in population databases (rs398123645, gnomAD 0.007%). This variant has not been reported in the literature in individuals affected with COL6A2-related conditions. ClinVar contains an entry for this variant (Variation ID: 93907). For these reasons, this variant has been classified as Pathogenic.

Clinical Biomedical Laboratory, Shriners Hospital For Children - Canada
Classification: Pathogenic for Bethlem myopathy 1B. Last evaluated: 2025-05-12. Review status: criteria provided, single submitter. Criteria: ACMG Guidelines, 2015. Collection method: clinical testing. Allele origin: germline. Affected: yes.
Comment: This variant is predicted to cause a frameshift and introduce a premature stop codon leading to a loss of function of the affected allele. This variant is very rare in the Genome Aggregation Database (v2.1.1). This variant has been reported in the literature (PMID 19884007) as a cause of Bethlem myopathy type 1.

GeneDx
Classification: Pathogenic. Last evaluated: 2025-03-20. Review status: criteria provided, single submitter. Criteria: GeneDx Variant Classification Process June 2021. Collection method: clinical testing. Allele origin: germline. Affected: yes.
Comment: Frameshift variant predicted to result in protein truncation or nonsense mediated decay in a gene for which loss-of-function is a known mechanism of disease; Has not been previously published as pathogenic or benign to our knowledge

Broad Center for Mendelian Genomics, Broad Institute of MIT and Harvard
Classification: Pathogenic for Ullrich congenital muscular dystrophy 1A. Last evaluated: 2023-01-25. Review status: criteria provided, single submitter. Criteria: ACMG Guidelines, 2015. Collection method: curation. Allele origin: germline. Inheritance: Autosomal recessive inheritance.
Comment: Trio exome analysis revealed that this variant was in trans with a pathogenic variant (‚Äã‚ÄãClinVar Variation ID: 265506). The p.Ser488LeuTerfs57 variant in COL6A2 has not been previously identified in individuals with autosomal recessive Ullrich congenital muscular dystrophy but has been identified in 0.003% (2/68040) of European (non-Finnish) chromosomes by the Genome Aggregation Database (gnomAD; dbSNP ID: rs398123645). Although this variant has been seen in the general population in a heterozygous state, its frequency is low enough to be consistent with a recessive carrier frequency. This variant has also been reported in ClinVar (Variation ID: 93907) and has been interpreted as pathogenic by Eurofins NTD LLC, GeneDx, and Invitae. This variant is predicted to cause a frameshift, which alters the protein‚Äôs amino acid sequence beginning at position 488 and leads to a premature termination codon 57 amino acids downstream. This alteration is then predicted to lead to a truncated or absent protein. Loss of function of the COL6A2 gene is an established disease mechanism in autosomal recessive Ullrich congenital muscular dystrophy. In summary, this variant meets criteria to be classified as pathogenic for autosomal recessive Ullrich congenital muscular dystrophy. ACMG/AMP Criteria applied: PVS1, PM2_Supporting, PM3 (Richards 2015).

Eurofins Ntd Llc (ga)
Classification: Pathogenic. Last evaluated: 2013-10-24. Review status: criteria provided, single submitter. Criteria: EGL Classification Definitions. Collection method: clinical testing. Allele origin: germline. Observed: 1 variant allele, 1 heterozygote.

Literature cited by the submitters: PubMed 19884007 (cited by 3 submitters); PubMed 20976770 (cited by Variantyx, Inc. and Labcorp Genetics (formerly Invitae), Labcorp).